The following is an entry in ClinVar:

ClinVar aggregate classification (germline): Likely benign (0 of 4 stars; one submission).

Conditions:
NCOA1-related disorder. Also called: NCOA1-related condition.

Allele frequency attached by ClinVar (database versions not stated): gnomAD exomes below 0.00001.
gnomAD v4.1: 6 of 1,568,514 alleles (0.00038%); highest among the groups gnomAD compares: African/African-American, 0.0069%; no homozygotes.

Submission:

PreventionGenetics, part of Exact Sciences
Classification: Likely benign for NCOA1-related condition. Last evaluated: 2022-08-24. Review status: no assertion criteria provided. Collection method: clinical testing. Allele origin: germline.
Comment: This variant is classified as likely benign based on ACMG/AMP sequence variant interpretation guidelines (Richards et al. 2015 PMID: 25741868, with internal and published modifications).

NM_003743.5(NCOA1):c.517C>T (p.Leu173=)

Gene: NCOA1 (nuclear receptor coactivator 1; plus strand). Cytogenetic location: 2p23.3.
Variant type: single nucleotide variant.
Coding change: c.517C>T on transcript NM_003743.5 (MANE Select); coding-DNA position 517, C replaced by T.
Protein change: p.Leu173=; no amino-acid change (leucine 173 retained).
Molecular consequence: synonymous variant.
Genome position (GRCh38, 1-based): chr2:24,683,113, C>T. VCF-style: chr2-24683113-C-T. GRCh37 (hg19) VCF-style: chr2-24905982-C-T.
Other names: c.517C>T, p.Leu173= (NM_001362950.1, NM_001362952.1, NM_001362954.1 and 3 more transcripts).
Identifiers: ClinVar variation 3051254 (VCV003051254.2), dbSNP rs775720682, ClinGen allele CA425169170.